The following is an entry in ClinVar:

ClinVar aggregate classification (germline): Likely pathogenic (1 of 4 stars; one submission).

Conditions:
Familial thoracic aortic aneurysm and aortic dissection (TAAD). Also called: Thoracic aortic aneurysms and dissections. Identifiers: Orphanet 91387, MedGen C4707243, MONDO:0019625.

Submission:

Ambry Genetics
Classification: Likely pathogenic for Familial thoracic aortic aneurysm and aortic dissection. Last evaluated: 2026-07-31. Review status: criteria provided, single submitter. Criteria: Ambry Variant Classification Scheme 2023. Collection method: clinical testing. Allele origin: germline.
Comment: The p.C1610G variant (also known as c.4828T>G), located in coding exon 39 of the FBN1 gene, results from a T to G substitution at nucleotide position 4828. The cysteine at codon 1610 is replaced by glycine, an amino acid with highly dissimilar properties. This variant was determined to be de novo in at least one individual with features consistent with Marfan syndrome (Hayward C et al. Hum Mutat, 1997;10:280-9). The majority of FBN1 mutations identified to date have involved the substitution or generation of cysteine residues within cbEGF domains (Vollbrandt T et al. J Biol Chem. 2004;279(31):32924-32931). Internal structural analysis indicates this variant eliminates a disulfide bond critical for the structural integrity of the cbEGF23 domain (Ambry internal data). This amino acid position is highly conserved in available vertebrate species. In addition, this alteration is predicted to be deleterious by in silico analysis. This variant is considered to be rare based on population cohorts in the Genome Aggregation Database (gnomAD). Based on the majority of available evidence to date, this variant is likely to be pathogenic.

Literature cited by the submitters: PubMed 9338581.

NM_000138.5(FBN1):c.4828T>G (p.Cys1610Gly)

Gene: FBN1 (fibrillin 1; minus strand). Cytogenetic location: 15q21.1.
Variant type: single nucleotide variant.
Coding change: c.4828T>G on transcript NM_000138.5 (MANE Select); coding-DNA position 4828, T replaced by G.
Protein change: p.Cys1610Gly; replaces cysteine 1610 with glycine.
Molecular consequence: missense variant.
Genome position (GRCh38, 1-based): chr15:48,465,682, A>C on the plus strand (T>G on the coding strand, the complement: FBN1 is on the minus strand). VCF-style: chr15-48465682-A-C. GRCh37 (hg19) VCF-style: chr15-48757879-A-C.
Other names: c.4828T>G, p.Cys1610Gly (NM_001406716.1); short protein forms C1610G.
Identifiers: ClinVar variation 5021566 (VCV005021566.1).